The following is an entry in ClinVar:

ClinVar aggregate classification (germline): Uncertain significance (1 of 4 stars; one submission).

Conditions:
Arthrogryposis, distal, type 1A. Also called: ARTHROGRYPOSIS MULTIPLEX CONGENITA, DISTAL, TYPE I. Identifiers: Orphanet 1146, MedGen C6022280, MONDO:0007157, OMIM 108120.

gnomAD v4.1: 1 of 1,614,226 alleles (0.000062%); highest among the groups gnomAD compares: Non-Finnish European, 0.000085%; no homozygotes.

Submission:

Labcorp Genetics (formerly Invitae), Labcorp
Classification: Uncertain significance for Arthrogryposis, distal, type 1A. Last evaluated: 2018-11-20. Review status: criteria provided, single submitter. Criteria: Invitae Variant Classification Sherloc (09022015). Collection method: clinical testing. Allele origin: germline.
Comment: This sequence change replaces arginine with leucine at codon 178 of the TPM2 protein (p.Arg178Leu). The arginine residue is highly conserved and there is a moderate physicochemical difference between arginine and leucine. This variant is not present in population databases (ExAC no frequency). This variant has not been reported in the literature in individuals with TPM2-related disease. Algorithms developed to predict the effect of missense changes on protein structure and function (SIFT, PolyPhen-2, Align-GVGD) all suggest that this variant is likely to be disruptive, but these predictions have not been confirmed by published functional studies and their clinical significance is uncertain. In summary, the available evidence is currently insufficient to determine the role of this variant in disease. Therefore, it has been classified as a Variant of Uncertain Significance.

NM_003289.4(TPM2):c.533G>T (p.Arg178Leu)

Gene: TPM2 (tropomyosin 2; minus strand). Cytogenetic location: 9p13.3.
Variant type: single nucleotide variant.
Coding change: c.533G>T on transcript NM_003289.4 (MANE Select); coding-DNA position 533, G replaced by T.
Protein change: p.Arg178Leu; replaces arginine 178 with leucine.
Molecular consequence: missense variant.
Genome position (GRCh38, 1-based): chr9:35,685,299, C>A on the plus strand (G>T on the coding strand, the complement: TPM2 is on the minus strand). VCF-style: chr9-35685299-C-A. GRCh37 (hg19) VCF-style: chr9-35685296-C-A.
Other names: c.533G>T, p.Arg178Leu (NM_001301226.2, NM_001301227.2, NM_213674.1); short protein forms R178L.
Identifiers: ClinVar variation 664399 (VCV000664399.8), dbSNP rs765802464, ClinGen allele CA373366646.